The following is an entry in ClinVar:

ClinVar aggregate classification (germline): Uncertain significance (1 of 4 stars; one submission).

Conditions:
Inborn genetic diseases. Identifiers: MedGen C0950123, MeSH D030342.

Submission:

Ambry Genetics
Classification: Uncertain significance for Inborn genetic diseases. Last evaluated: 2025-10-22. Review status: criteria provided, single submitter. Criteria: Ambry Variant Classification Scheme 2023. Collection method: clinical testing. Allele origin: germline.
Comment: The p.L150F variant (also known as c.448C>T), located in coding exon 3 of the ANKRD26 gene, results from a C to T substitution at nucleotide position 448. The leucine at codon 150 is replaced by phenylalanine, an amino acid with highly similar properties. This amino acid position is conserved. In addition, this alteration is predicted to be deleterious by in silico analysis. Based on the available evidence, the clinical significance of this variant remains unclear.

NM_014915.3(ANKRD26):c.448C>T (p.Leu150Phe)

Gene: ANKRD26 (ankyrin repeat domain 26; minus strand). Cytogenetic location: 10p12.1.
Variant type: single nucleotide variant.
Coding change: c.448C>T on transcript NM_014915.3 (MANE Select); coding-DNA position 448, C replaced by T.
Protein change: p.Leu150Phe; replaces leucine 150 with phenylalanine.
Molecular consequence: missense variant.
Genome position (GRCh38, 1-based): chr10:27,093,432, G>A on the plus strand (C>T on the coding strand, the complement: ANKRD26 is on the minus strand). VCF-style: chr10-27093432-G-A. GRCh37 (hg19) VCF-style: chr10-27382361-G-A.
Other names: c.448C>T, p.Leu150Phe (NM_001256053.2); short protein forms L150F.
Identifiers: ClinVar variation 4579600 (VCV004579600.1).
Genomic context (GRCh38, chr10:27,093,432, plus strand): 5'-CATCATACAAAAGCAGCTTTGTTGCTACTGATATGTCCTCATTATAGACAGCATAGTGAA[G>A]AGCAGTGTTGCCATGGACATCCGCAAGATTTGGATCAGCACCATGTTCTAGCAGAATAGT-3'
Protein context (NP_055730.2, residues 140-160): NLADVHGNTA[Leu150Phe]HYAVYNEDIS